The following is an entry in ClinVar:

ClinVar aggregate classification (germline): Uncertain significance (1 of 4 stars; one submission).

Conditions:
Joubert syndrome 21 (JBTS21). Identifiers: MedGen C3810212, MONDO:0014288, OMIM 615636.

Allele frequency attached by ClinVar (database versions not stated): gnomAD exomes below 0.00001; TOPMed 0.00001; gnomAD 0.00001.
gnomAD v4.1: 7 of 1,613,424 alleles (0.00043%); highest among the groups gnomAD compares: Admixed American, 0.0033%; no homozygotes.

Submission:

Labcorp Genetics (formerly Invitae), Labcorp
Classification: Uncertain significance for Joubert syndrome 21. Last evaluated: 2021-05-20. Review status: criteria provided, single submitter. Criteria: Invitae Variant Classification Sherloc (09022015). Collection method: clinical testing. Allele origin: germline.
Comment: In summary, the available evidence is currently insufficient to determine the role of this variant in disease. Therefore, it has been classified as a Variant of Uncertain Significance. Algorithms developed to predict the effect of missense changes on protein structure and function (SIFT, PolyPhen-2, Align-GVGD) all suggest that this variant is likely to be tolerated, but these predictions have not been confirmed by published functional studies and their clinical significance is uncertain. This variant has not been reported in the literature in individuals with CSPP1-related conditions. This variant is not present in population databases (ExAC no frequency). This sequence change replaces serine with threonine at codon 1155 of the CSPP1 protein (p.Ser1155Thr). The serine residue is moderately conserved and there is a small physicochemical difference between serine and threonine.

NM_001382391.1(CSPP1):c.3479G>C (p.Ser1160Thr)

Genes: ARFGEF1 (ARF guanine nucleotide exchange factor 1; minus strand), CSPP1 (centrosome and spindle pole associated protein 1; plus strand). Cytogenetic location: 8q13.2.
Variant type: single nucleotide variant.
Coding change: c.3479G>C on transcript NM_001382391.1 (MANE Select); coding-DNA position 3479, G replaced by C.
Protein change: p.Ser1160Thr; replaces serine 1160 with threonine.
Molecular consequence: missense variant. On other transcripts: intron variant (2).
Genome position (GRCh38, 1-based): chr8:67,195,391, G>C. VCF-style: chr8-67195391-G-C. GRCh37 (hg19) VCF-style: chr8-68107626-G-C.
Other names: c.3365G>C, p.Ser1122Thr (NM_001364870.1); c.3311G>C, p.Ser1104Thr (NM_001438330.1); c.3325G>C, p.Val1109Leu (NM_001438331.1); c.2780G>C, p.Ser927Thr (NM_001438332.1); c.3464G>C, p.Ser1155Thr (NM_024790.7); c.5367+5005C>G (NM_001413186.1); c.5385+5005C>G (NM_001413187.1); c.2429G>C, p.Ser810Thr (NM_001291339.2); and 4 more; short protein forms S1133T, S1155T, S1160T, S1182T, S810T, S1095T, S1122T, S1068T.
Identifiers: ClinVar variation 1377385 (VCV001377385.6), dbSNP rs1170601676, ClinGen allele CA371203943.